The following is an entry in ClinVar:

NM_002474.3(MYH11):c.3280G>A (p.Ala1094Thr)

Gene: MYH11 (myosin heavy chain 11; minus strand). Cytogenetic location: 16p13.11.
Variant type: single nucleotide variant.
Coding change: c.3280G>A on transcript NM_002474.3 (MANE Select); coding-DNA position 3280, G replaced by A.
Protein change: p.Ala1094Thr; replaces alanine 1094 with threonine.
Molecular consequence: missense variant.
Genome position (GRCh38, 1-based): chr16:15,737,462, C>T on the plus strand (G>A on the coding strand, the complement: MYH11 is on the minus strand). VCF-style: chr16-15737462-C-T. GRCh37 (hg19) VCF-style: chr16-15831319-C-T.
Other names: c.3301G>A, p.Ala1101Thr (NM_001040113.2, NM_001040114.2); c.3280G>A, p.Ala1094Thr (NM_022844.3); short protein forms A1094T, A1101T.
Identifiers: ClinVar variation 922638 (VCV000922638.13), dbSNP rs2041152851, ClinGen allele CA394862751.
Genomic context (GRCh38, chr16:15,737,462, plus strand): 5'-AGGGGATACATGGACACACAGCAAATGCCCCTTGCCAGCCCCGCTACCTGGCCAGGGCCG[C>T]CTGCAGCTCCTCCTCCTTCTTGGCCAGCTGCATCTTGAGCTCTGCGATCTGCGCCTGGAG-3'
Protein context (NP_002465.1, residues 1084-1104): QLAKKEEELQ[Ala1094Thr]ALARLDDEIA

ClinVar aggregate classification (germline): Uncertain significance. Review status: criteria provided, multiple submitters, no conflicts (2 of 4 stars). 6 submissions from 6 submitters: Uncertain significance (6). Last evaluated 2025-12-21.

Conditions:
Familial thoracic aortic aneurysm and aortic dissection (TAAD). Also called: Thoracic aortic aneurysms and dissections. Identifiers: Orphanet 91387, MedGen C4707243, MONDO:0019625.
Megacystis-microcolon-intestinal hypoperistalsis syndrome 2. Identifiers: MedGen C5543476, MONDO:0025708, OMIM 619351.
Visceral myopathy 2. Identifiers: MedGen C5543466, MONDO:0859157, OMIM 619350.
Aortic aneurysm, familial thoracic 4 (AAT4). Also called: AORTIC ANEURYSM/AORTIC DISSECTION AND PATENT DUCTUS ARTERIOSUS. Identifiers: MedGen C1851504, MONDO:0007568, OMIM 132900.

Allele frequency attached by ClinVar (database versions not stated): gnomAD exomes below 0.00001.
gnomAD v4.1: 2 of 1,613,052 alleles (0.00012%); highest among the groups gnomAD compares: Non-Finnish European, 0.00017%; no homozygotes.

Submissions (6):

Labcorp Genetics (formerly Invitae), Labcorp
Classification: Uncertain significance for Aortic aneurysm, familial thoracic 4. Last evaluated: 2025-12-21. Review status: criteria provided, single submitter. Criteria: Invitae Variant Classification Sherloc (09022015). Collection method: clinical testing. Allele origin: germline.
Comment: This sequence change replaces alanine, which is neutral and non-polar, with threonine, which is neutral and polar, at codon 1101 of the MYH11 protein (p.Ala1101Thr). This variant is not present in population databases (gnomAD no frequency). This variant has not been reported in the literature in individuals affected with MYH11-related conditions. ClinVar contains an entry for this variant (Variation ID: 922638). Invitae Evidence Modeling of protein sequence and biophysical properties (such as structural, functional, and spatial information, amino acid conservation, physicochemical variation, residue mobility, and thermodynamic stability) indicates that this missense variant is not expected to disrupt MYH11 protein function with a negative predictive value of 95%. In summary, the available evidence is currently insufficient to determine the role of this variant in disease. Therefore, it has been classified as a Variant of Uncertain Significance.

All of Us Research Program, National Institutes of Health
Classification: Uncertain significance for Familial thoracic aortic aneurysm and aortic dissection. Last evaluated: 2024-08-30. Review status: criteria provided, single submitter. Criteria: ACMG Guidelines, 2015. Collection method: clinical testing. Allele origin: germline. Inheritance: Autosomal dominant inheritance. Observed: 1 variant allele, 1 heterozygote.
Comment: Variant of Uncertain Significance due to insufficient evidence: This missense variant is located in the coiled coil myosin tail domain of the MYH11 protein. Computational prediction tools and conservation analyses are inconclusive regarding the impact of this variant on the protein function. Computational splicing tools suggest that this variant may not impact RNA splicing. To our knowledge, functional assays have not been performed for this variant nor has this variant been reported in individuals affected with cardiovascular disorders in the literature. This variant is rare in the general population and has been identified in 0/277264 chromosomes by the Genome Aggregation Database (gnomAD). Available evidence is insufficient to determine the pathogenicity of this variant conclusively.

This study involves interpretation of variants in research participants for the purpose of population health screening. Participant phenotype was not available at the time of variant classification. Additional details can be found in publication PMID: 35346344, PMCID: PMC8962531

GeneDx
Classification: Uncertain significance. Last evaluated: 2024-05-21. Review status: criteria provided, single submitter. Criteria: GeneDx Variant Classification Process June 2021. Collection method: clinical testing. Allele origin: germline. Affected: yes.
Comment: Has not been previously published as pathogenic or benign to our knowledge; Not observed at significant frequency in large population cohorts (gnomAD); In silico analysis indicates that this missense variant does not alter protein structure/function

Color Diagnostics, LLC DBA Color Health
Classification: Uncertain significance for Familial thoracic aortic aneurysm and aortic dissection. Last evaluated: 2023-12-04. Review status: criteria provided, single submitter. Criteria: ACMG Guidelines, 2015. Collection method: clinical testing. Allele origin: germline.
Comment: Variant of Uncertain Significance due to insufficient evidence: This missense variant is located in the coiled coil myosin tail domain of the MYH11 protein. Computational prediction tools and conservation analyses are inconclusive regarding the impact of this variant on the protein function. Computational splicing tools suggest that this variant may not impact RNA splicing. To our knowledge, functional assays have not been performed for this variant nor has this variant been reported in individuals affected with cardiovascular disorders in the literature. This variant is rare in the general population and has been identified in 0/277264 chromosomes by the Genome Aggregation Database (gnomAD). Available evidence is insufficient to determine the pathogenicity of this variant conclusively.

Ambry Genetics
Classification: Uncertain significance for Familial thoracic aortic aneurysm and aortic dissection. Last evaluated: 2022-12-18. Review status: criteria provided, single submitter. Criteria: Ambry Variant Classification Scheme 2023. Collection method: clinical testing. Allele origin: germline.
Comment: The p.A1094T variant (also known as c.3280G>A), located in coding exon 24 of the MYH11 gene, results from a G to A substitution at nucleotide position 3280. The alanine at codon 1094 is replaced by threonine, an amino acid with similar properties. This amino acid position is conserved. In addition, this alteration is predicted to be tolerated by in silico analysis. Since supporting evidence is limited at this time, the clinical significance of this alteration remains unclear.

Fulgent Genetics
Classification: Uncertain significance for Aortic aneurysm, familial thoracic 4; Visceral myopathy 2; Megacystis-microcolon-intestinal hypoperistalsis syndrome 2. Last evaluated: 2021-09-06. Review status: criteria provided, single submitter. Criteria: ACMG Guidelines, 2015. Collection method: clinical testing. Allele origin: unknown.